The following is an entry in ClinVar:

NM_001042492.3(NF1):c.3114-1G>T

Gene: NF1 (neurofibromin 1; plus strand). Cytogenetic location: 17q11.2.
Variant type: single nucleotide variant.
Coding change: c.3114-1G>T on transcript NM_001042492.3 (MANE Select); the canonical splice acceptor site of the intron before coding-DNA position 3114, G replaced by T.
Molecular consequence: splice acceptor variant.
Genome position (GRCh38, 1-based): chr17:31,230,841, G>T. VCF-style: chr17-31230841-G-T. GRCh37 (hg19) VCF-style: chr17-29557859-G-T.
Other names: c.3114-1G>T (NM_000267.4).
Identifiers: ClinVar variation 1727782 (VCV001727782.4), dbSNP rs1555614611, ClinGen allele CA398987829.

ClinVar aggregate classification (germline): Pathogenic/Likely pathogenic. Review status: criteria provided, multiple submitters, no conflicts (2 of 4 stars). 2 submissions from 2 submitters: Pathogenic (1); Likely pathogenic (1). Last evaluated 2024-07-21.

Conditions:
Cardiovascular phenotype. Identifiers: MedGen CN230736.
Hereditary cancer-predisposing syndrome. Also called: Neoplastic Syndromes, Hereditary; Tumor predisposition; Hereditary Cancer Syndrome; Hereditary neoplastic syndrome. Identifiers: Orphanet 140162, MedGen C0027672, MeSH D009386, MONDO:0015356.
Neurofibromatosis, type 1 (NF1). Also called: VON RECKLINGHAUSEN DISEASE; NEUROFIBROMATOSIS, TYPE I, SOMATIC; Neurofibromatosis, type I; Peripheral type neurofibromatosis. Identifiers: Orphanet 636, MedGen C0027831, MONDO:0018975, OMIM 162200. Disease mechanism: loss of function.

Submissions (2):

Labcorp Genetics (formerly Invitae), Labcorp
Classification: Pathogenic for Neurofibromatosis, type 1. Last evaluated: 2024-07-21. Review status: criteria provided, single submitter. Criteria: Invitae Variant Classification Sherloc (09022015). Collection method: clinical testing. Allele origin: germline.
Comment: This sequence change affects an acceptor splice site in intron 23 of the NF1 gene. It is expected to disrupt RNA splicing. Variants that disrupt the donor or acceptor splice site typically lead to a loss of protein function (PMID: 16199547), and loss-of-function variants in NF1 are known to be pathogenic (PMID: 10712197, 23913538). This variant is not present in population databases (gnomAD no frequency). Disruption of this splice site has been observed in individual(s) with clinical features of neurofibromatosis, type 1 (Invitae). ClinVar contains an entry for this variant (Variation ID: 1727782). Algorithms developed to predict the effect of sequence changes on RNA splicing suggest that this variant may disrupt the consensus splice site. For these reasons, this variant has been classified as Pathogenic.

Ambry Genetics
Classification: Likely pathogenic for Cardiovascular phenotype; Hereditary cancer-predisposing syndrome. Last evaluated: 2020-11-17. Review status: criteria provided, single submitter. Criteria: Ambry Variant Classification Scheme 2023. Collection method: clinical testing. Allele origin: germline.
Comment: The c.3114-1G>T intronic variant results from a G to T substitution one nucleotide upstream from coding exon 24 of the NF1 gene. Alterations that disrupt the canonical splice site are expected to result in aberrant splicing. In silico splice site analysis predicts that this alteration will weaken the native splice acceptor site and will result in the creation or strengthening of a novel splice acceptor site. The resulting transcript is predicted to be in-frame and is not expected to trigger nonsense-mediated mRNAdecay; however, direct evidence is unavailable. The exact functional effect of the missing amino acids is unknown; however, the impacted region is critical for protein function (Ambry internal data). Another alteration impacting the same acceptor site (c.3114-2A>G) has been detected in individual(s) with a clinical or suspected diagnosis of neurofibromatosis type 1 and results in aberrant splicing (Xu W et al. Int J Mol Med, 2014 Jul;34:53-60; Ambry internal data). c.3114-1G>T was not reported in population-based cohorts in the Genome Aggregation Database (gnomAD). This nucleotide position is highly conserved in available vertebrate species. Based on the majority of available evidence to date, this variant is likely to be pathogenic.

Literature cited by the submitters: PubMed 16199547 (cited by Labcorp Genetics (formerly Invitae), Labcorp); PubMed 10712197 (cited by Labcorp Genetics (formerly Invitae), Labcorp); PubMed 23913538 (cited by Labcorp Genetics (formerly Invitae), Labcorp).